The following is an entry in ClinVar:

ClinVar aggregate classification (germline): Uncertain significance (1 of 4 stars; one submission).

Submission:

Ambry Genetics
Classification: Uncertain significance. Last evaluated: 2026-03-30. Review status: criteria provided, single submitter. Criteria: Ambry Variant Classification Scheme 2023. Collection method: clinical testing. Allele origin: germline.
Comment: The c.979T>C (p.F327L) alteration is located in exon 8 (coding exon 8) of the PDZD4 gene. This alteration results from a T to C substitution at nucleotide position 979, causing the phenylalanine (F) at amino acid position 327 to be replaced by a leucine (L). Based on data from gnomAD, the C allele has an overall frequency of <0.001% (1/202702) total alleles studied. The highest observed frequency was 0.004% (1/27996) of Latino alleles. Based on insufficient or conflicting evidence, the clinical significance of this alteration remains unclear.

NM_001303512.2(PDZD4):c.997T>C (p.Phe333Leu)

Gene: PDZD4 (PDZ domain containing 4; minus strand). Cytogenetic location: Xq28.
Variant type: single nucleotide variant.
Coding change: c.997T>C on transcript NM_001303512.2 (MANE Select); coding-DNA position 997, T replaced by C.
Protein change: p.Phe333Leu; replaces phenylalanine 333 with leucine.
Molecular consequence: missense variant.
Genome position (GRCh38, 1-based): chrX:153,804,684, A>G on the plus strand (T>C on the coding strand, the complement: PDZD4 is on the minus strand). VCF-style: chrX-153804684-A-G. GRCh37 (hg19) VCF-style: chrX-153070139-A-G.
Other names: c.691T>C, p.Phe231Leu (NM_001303513.3); c.652T>C, p.Phe218Leu (NM_001303514.2); c.754T>C, p.Phe252Leu (NM_001303515.2); c.736T>C, p.Phe246Leu (NM_001303516.2); c.979T>C, p.Phe327Leu (NM_032512.5); short protein forms F218L, F231L, F246L, F252L, F327L, F333L.
Identifiers: ClinVar variation 4861765 (VCV004861765.1).